The following is an entry in ClinVar:

NM_001903.5(CTNNA1):c.1653G>A (p.Arg551=)

Gene: CTNNA1 (catenin alpha 1; plus strand). Cytogenetic location: 5q31.2.
Variant type: single nucleotide variant.
Coding change: c.1653G>A on transcript NM_001903.5 (MANE Select); coding-DNA position 1653, G replaced by A.
Protein change: p.Arg551=; no amino-acid change (arginine 551 retained).
Molecular consequence: synonymous variant.
Genome position (GRCh38, 1-based): chr5:138,924,616, G>A. VCF-style: chr5-138924616-G-A. GRCh37 (hg19) VCF-style: chr5-138260305-G-A.
Other names: c.1653G>A, p.Arg551= (NM_001290307.3, NM_001323982.2, NM_001323983.1 and 2 more transcripts); c.1344G>A, p.Arg448= (NM_001290309.3); c.1284G>A, p.Arg428= (NM_001290310.3); c.543G>A, p.Arg181= (NM_001290312.1, NM_001323987.1, NM_001323988.1 and 17 more transcripts); c.1560G>A, p.Arg520= (NM_001323986.2); c.204G>A, p.Arg68= (NM_001324006.1, NM_001324007.1, NM_001324008.1 and 2 more transcripts); c.450G>A, p.Arg150= (NM_001324011.1); c.300G>A, p.Arg100= (NM_001324012.1, NM_001324013.1).
Identifiers: ClinVar variation 1101118 (VCV001101118.35), dbSNP rs1010063276, ClinGen allele CA128217036.
Genomic context (GRCh38, chr5:138,924,616, plus strand): 5'-AGAGAAGGATGTGGATGGCCTGGACCGCACAGCTGGTGCAATTCGAGGCCGGGCAGCCCG[G>A]GTCATTCACGTAGTCACCTCAGAGATGGACAACTATGAGCCAGGAGTCTACACAGAGAAG-3'
Protein context (NP_001894.2, residues 541-561): TAGAIRGRAA[Arg551=]VIHVVTSEMD

ClinVar aggregate classification (germline): Likely benign. Review status: criteria provided, multiple submitters, no conflicts (2 of 4 stars). 3 submissions from 3 submitters: Likely benign (3). Last evaluated 2024-05-31.

Conditions:
Hereditary cancer-predisposing syndrome. Also called: Neoplastic Syndromes, Hereditary; Tumor predisposition; Hereditary neoplastic syndrome; Hereditary Cancer Syndrome. Identifiers: Orphanet 140162, MedGen C0027672, MeSH D009386, MONDO:0015356.

Submissions (3):

Labcorp Genetics (formerly Invitae), Labcorp
Classification: Likely benign. Last evaluated: 2024-05-31. Review status: criteria provided, single submitter. Criteria: Invitae Variant Classification Sherloc (09022015). Collection method: clinical testing. Allele origin: germline.

CeGaT Center for Human Genetics Tuebingen
Classification: Likely benign. Last evaluated: 2022-09-01. Review status: criteria provided, single submitter. Criteria: CeGaT Center For Human Genetics Tuebingen Variant Classification Criteria Version 2. Collection method: clinical testing. Allele origin: germline. Affected: yes. Observed: 1 variant allele.
Comment: CTNNA1: PM2:Supporting, BP4, BP7

Ambry Genetics
Classification: Likely benign for Hereditary cancer-predisposing syndrome. Last evaluated: 2022-04-07. Review status: criteria provided, single submitter. Criteria: Ambry Variant Classification Scheme 2023. Collection method: clinical testing. Allele origin: germline.